The following is an entry in ClinVar:

ClinVar aggregate classification (germline): Uncertain significance. Review status: criteria provided, multiple submitters, no conflicts (2 of 4 stars). 2 submissions from 2 submitters: Uncertain significance (2). Last evaluated 2024-10-18.

Conditions:
Hereditary cancer-predisposing syndrome. Also called: Neoplastic Syndromes, Hereditary; Tumor predisposition; Hereditary Cancer Syndrome; Hereditary neoplastic syndrome. Identifiers: Orphanet 140162, MedGen C0027672, MeSH D009386, MONDO:0015356.

Submissions (2):

Labcorp Genetics (formerly Invitae), Labcorp
Classification: Uncertain significance. Last evaluated: 2024-10-18. Review status: criteria provided, single submitter. Criteria: Invitae Variant Classification Sherloc (09022015). Collection method: clinical testing. Allele origin: germline.
Comment: This sequence change replaces leucine, which is neutral and non-polar, with serine, which is neutral and polar, at codon 974 of the MSH3 protein (p.Leu974Ser). This variant is not present in population databases (gnomAD no frequency). This variant has not been reported in the literature in individuals affected with MSH3-related conditions. ClinVar contains an entry for this variant (Variation ID: 1797721). An algorithm developed to predict the effect of missense changes on protein structure and function (PolyPhen-2) suggests that this variant is likely to be disruptive. In summary, the available evidence is currently insufficient to determine the role of this variant in disease. Therefore, it has been classified as a Variant of Uncertain Significance.

Ambry Genetics
Classification: Uncertain significance for Hereditary cancer-predisposing syndrome. Last evaluated: 2022-02-07. Review status: criteria provided, single submitter. Criteria: Ambry Variant Classification Scheme 2023. Collection method: clinical testing. Allele origin: germline.
Comment: The p.L974S variant (also known as c.2921T>C), located in coding exon 21 of the MSH3 gene, results from a T to C substitution at nucleotide position 2921. The leucine at codon 974 is replaced by serine, an amino acid with dissimilar properties. This amino acid position is conserved. In addition, this alteration is predicted to be deleterious by in silico analysis. Since supporting evidence is limited at this time, the clinical significance of this alteration remains unclear.

NM_002439.5(MSH3):c.2921T>C (p.Leu974Ser)

Gene: MSH3 (mutS homolog 3; plus strand). Cytogenetic location: 5q14.1.
Variant type: single nucleotide variant.
Coding change: c.2921T>C on transcript NM_002439.5 (MANE Select); coding-DNA position 2921, T replaced by C.
Protein change: p.Leu974Ser; replaces leucine 974 with serine.
Molecular consequence: missense variant.
Genome position (GRCh38, 1-based): chr5:80,854,237, T>C. VCF-style: chr5-80854237-T-C. GRCh37 (hg19) VCF-style: chr5-80150056-T-C.
Other names: short protein forms L974S.
Identifiers: ClinVar variation 1797721 (VCV001797721.5), dbSNP rs2478771811, ClinGen allele CA360275692.